The following is an entry in ClinVar:

NM_000128.4(F11):c.1288G>T (p.Ala430Ser)

Gene: F11 (coagulation factor XI; plus strand). Cytogenetic location: 4q35.2.
Variant type: single nucleotide variant.
Coding change: c.1288G>T on transcript NM_000128.4 (MANE Select); coding-DNA position 1288, G replaced by T.
Protein change: p.Ala430Ser; replaces alanine 430 with serine.
Molecular consequence: missense variant.
Genome position (GRCh38, 1-based): chr4:186,284,244, G>T. VCF-style: chr4-186284244-G-T. GRCh37 (hg19) VCF-style: chr4-187205398-G-T.
Other names: short protein forms A430S.
Identifiers: ClinVar variation 2577222 (VCV002577222.7), dbSNP rs753909969, ClinGen allele CA358942244.

ClinVar aggregate classification (germline): Conflicting classifications of pathogenicity. Review status: criteria provided, conflicting classifications (1 of 4 stars). 4 submissions from 4 submitters: Likely pathogenic (1); Uncertain significance (3). Last evaluated 2026-02-25.

Conditions:
Hereditary factor XI deficiency disease. Also called: PLASMA THROMBOPLASTIN ANTECEDENT DEFICIENCY; PTA DEFICIENCY; Congenital factor XI deficiency; ROSENTHAL SYNDROME. Identifiers: Orphanet 329, MedGen C0015523, MeSH D005173, MONDO:0012897, OMIM 612416.

gnomAD v4.1: 9 of 1,613,826 alleles (0.00056%); highest among the groups gnomAD compares: Admixed American, 0.0017%; no homozygotes.

Submissions (4):

Myriad Genetics, Inc.
Classification: Uncertain significance for Hereditary factor XI deficiency disease. Last evaluated: 2026-02-25. Review status: criteria provided, single submitter. Criteria: Myriad Autosomal Dominant, Autosomal Recessive and X-Linked Classification Criteria (2023). Collection method: clinical testing. Allele origin: unknown.
Comment: NM_000128.3(F11):c.1288G>T(A430S) is a missense variant classified as a variant of uncertain significance in the context of factor XI deficiency. A430S has been observed in cases with relevant disease (PMID: 19652879, 38387429). Relevant functional assessments of this variant are not available in the literature. A430S has not been observed in referenced population frequency databases. In summary, there is insufficient evidence to classify NM_000128.3(F11):c.1288G>T(A430S) as pathogenic or benign. Please note: this variant was assessed in the context of healthy population screening.

Women's Health and Genetics/Laboratory Corporation of America, LabCorp
Classification: Uncertain significance. Last evaluated: 2025-07-25. Review status: criteria provided, single submitter. Criteria: LabCorp Variant Classification Summary - May 2015. Collection method: clinical testing. Allele origin: germline.
Comment: Variant summary: F11 c.1288G>T (p.Ala430Ser) results in a conservative amino acid change in the encoded protein sequence. Algorithms developed to predict the effect of missense changes on protein structure and function are either unavailable or do not agree on the potential impact of this missense change. The variant was absent in 251190 control chromosomes. The available data on variant occurrences in the general population are insufficient to allow any conclusion about variant significance. c.1288G>T has been observed in the heterozygous state in at least 1 individual(s) affected with AD-Hereditary Factor XI Deficiency Disease (Saunders_2009) and in the triply heterozygous state (phasing not performed) in at least 1 individual with severe autosomal recessive Hereditary Factor XI Deficiency Disease (Martinez-Carballeira_2024). These data do not allow any conclusion about variant significance. At least one publication reports experimental evidence evaluating an impact on protein function, however, does not allow convincing conclusions about the variant effect (Saunders_2009). The following publications have been ascertained in the context of this evaluation (PMID: 19652879, 38387429, 35059554, 37874916, 37647632). ClinVar contains an entry for this variant (Variation ID: 2577222). Based on the evidence outlined above, the variant was classified as uncertain significance.

Labcorp Genetics (formerly Invitae), Labcorp
Classification: Likely pathogenic. Last evaluated: 2023-04-15. Review status: criteria provided, single submitter. Criteria: Invitae Variant Classification Sherloc (09022015). Collection method: clinical testing. Allele origin: germline.
Comment: In summary, the currently available evidence indicates that the variant is pathogenic, but additional data are needed to prove that conclusively. Therefore, this variant has been classified as Likely Pathogenic. This variant disrupts the p.Ala430 amino acid residue in F11. Other variant(s) that disrupt this residue have been determined to be pathogenic (PMID: 18388506, 18446632, 18839438, 25681615). This suggests that this residue is clinically significant, and that variants that disrupt this residue are likely to be disease-causing. Advanced modeling of protein sequence and biophysical properties (such as structural, functional, and spatial information, amino acid conservation, physicochemical variation, residue mobility, and thermodynamic stability) performed at Invitae indicates that this missense variant is expected to disrupt F11 protein function. This variant is also known as A412S. This missense change has been observed in individual(s) with clinical features of autosomal recessive factor XI deficiency (PMID: 19652879). This variant is not present in population databases (gnomAD no frequency). This sequence change replaces alanine, which is neutral and non-polar, with serine, which is neutral and polar, at codon 430 of the F11 protein (p.Ala430Ser).

Department of Pathology and Laboratory Medicine, Sinai Health System
Classification: Uncertain significance for Hereditary factor XI deficiency disease. Last evaluated: 2021-07-30. Review status: criteria provided, single submitter. Criteria: ACMG Guidelines, 2015. Collection method: research. Allele origin: germline.

Literature cited by the submitters: PubMed 19652879 (cited by 3 submitters); PubMed 38387429 (cited by Myriad Genetics, Inc. and Women's Health and Genetics/Laboratory Corporation of America, LabCorp); PubMed 35059554 (cited by Women's Health and Genetics/Laboratory Corporation of America, LabCorp); PubMed 37647632 (cited by Women's Health and Genetics/Laboratory Corporation of America, LabCorp); PubMed 37874916 (cited by Women's Health and Genetics/Laboratory Corporation of America, LabCorp); PubMed 18388506 (cited by Labcorp Genetics (formerly Invitae), Labcorp); PubMed 18446632 (cited by Labcorp Genetics (formerly Invitae), Labcorp); PubMed 18839438 (cited by Labcorp Genetics (formerly Invitae), Labcorp); PubMed 25681615 (cited by Labcorp Genetics (formerly Invitae), Labcorp).